The following is an entry in ClinVar:

NM_004006.3(DMD):c.1812+5G>A

Gene: DMD (dystrophin; minus strand). Cytogenetic location: Xp21.1.
Variant type: single nucleotide variant.
Coding change: c.1812+5G>A on transcript NM_004006.3 (MANE Select); 5 bases into the intron after coding-DNA position 1812, G replaced by A.
Molecular consequence: intron variant.
Genome position (GRCh38, 1-based): chrX:32,573,525, C>T on the plus strand (G>A on the coding strand, the complement: DMD is on the minus strand). VCF-style: chrX-32573525-C-T. GRCh37 (hg19) VCF-style: chrX-32591642-C-T.
Other names: c.1788+5G>A (NM_000109.4); c.1800+5G>A (NM_004009.3); c.1443+5G>A (NM_004010.3).
Identifiers: ClinVar variation 1064632 (VCV001064632.4), dbSNP rs2149136134, ClinGen allele CA1139768237.
Genomic context (GRCh38, chrX:32,573,525, plus strand): 5'-AAATAATAGTGATAATATACAGTACTGGGTTTTTATAAGACCATTGAAAGCTAGAAAGTA[C>T]ATACGGCCAGTTTTTGAAGACTTGATAACATTTCATTTTGATCTTTAAAGCCAGTTGTGT-3'

ClinVar aggregate classification (germline): Likely pathogenic. Review status: criteria provided, multiple submitters, no conflicts (2 of 4 stars). 2 submissions from 2 submitters: Likely pathogenic (2). Last evaluated 2024-02-20.

Conditions:
Becker muscular dystrophy, Cardiomyopathy, Duchenne muscular dystrophy, Dystrophin deficiency.
Duchenne muscular dystrophy (DMD). Also called: MUSCULAR DYSTROPHY, PSEUDOHYPERTROPHIC PROGRESSIVE, DUCHENNE TYPE; Duchenne Muscular Dystrophy (DMD). Identifiers: Orphanet 98896, MedGen C0013264, MONDO:0010679, OMIM 310200.

gnomAD v4.1: 3 of 1,202,992 alleles (0.00025%); highest among the groups gnomAD compares: Non-Finnish European, 0.00034%; no homozygotes.

Submissions (2):

Natera, Inc.
Classification: Likely pathogenic for Becker muscular dystrophy, Cardiomyopathy, Duchenne muscular dystrophy, Dystrophin deficiency. Last evaluated: 2024-02-20. Review status: criteria provided, single submitter. Criteria: Natera Variant Classification Schema (03/2026). Collection method: clinical testing. Allele origin: germline.
Comment: The c.1812+5G>A variant in DMD is an intronic variant located outside the canonical splice sites. This variant is rare in the general population with a frequency below the threshold expected for the associated phenotype(s). This variant has been observed in affected individual(s) with monoallelic occurrence (heterozygous/hemizygous) (PMID: 34906502). Functional studies show that this variant may disrupt protein function (PMID: 34906502). Computational prediction algorithms indicate this variant is likely to affect gene or protein function. Given the available evidence, this variant is classified as Likely Pathogenic.

Kids Neuroscience Centre, Sydney Children's Hospitals Network
Classification: Likely pathogenic for Duchenne muscular dystrophy. Review status: criteria provided, single submitter. Criteria: Bournazos AM et al. (Genet Med 2021). Collection method: clinical testing. Allele origin: unknown. Inheritance: X-linked inheritance. Affected: yes. Observed: 1 hemizygote.
Comment: Detected two abnormal splicing events: (1) In-frame exon 15 skipping (r.1705_1812del). This event removes 36 amino acids from the Spectrin repeat 3 of DMD (p.(Cys569_Ala604del)). Functional impact due to loss of these residues is supported by previous pathogenic reports (RCV000597000.1; RCV000201160.5; RCV000521440.2; RCV000149882.5) in ClinVar of variants ablating the essential 5’ splice site of exon 15, (2) Intron 15 retention (r.1812_1813ins[1812+1_?]). This event causes a frameshift encoding 3 missense amino acids and a premature termination codon (p.(Leu606Tyrfs*4)). These transcripts are predicted to be targeted by NMD. Any mis-spliced transcripts that escape NMD encode DMD protein lacking 3,079 amino acids from the C terminus, including Spectrin repeats 3-24 and the WW domain.

Literature cited by the submitters: PubMed 34906502 (cited by Natera, Inc.).